The following is an entry in ClinVar:

ClinVar aggregate classification (germline): Uncertain significance (1 of 4 stars; one submission).

Conditions:
Methylmalonic acidemia due to transcobalamin receptor defect (MATR). Also called: METHYLMALONIC ACIDURIA, TRANSIENT, DUE TO TRANSCOBALAMIN RECEPTOR DEFECT; METHYLMALONIC ACIDEMIA, TCblR TYPE. Identifiers: Orphanet 280183, MedGen C4749905, MONDO:0013341, OMIM 613646.

Allele frequency attached by ClinVar (database versions not stated): gnomAD exomes below 0.00001.
gnomAD v4.1: 2 of 1,611,292 alleles (0.00012%); highest among the groups gnomAD compares: Non-Finnish European, 0.00017%; no homozygotes.

Submission:

Labcorp Genetics (formerly Invitae), Labcorp
Classification: Uncertain significance for Methylmalonic acidemia due to transcobalamin receptor defect. Last evaluated: 2025-10-08. Review status: criteria provided, single submitter. Criteria: Invitae Variant Classification Sherloc (09022015). Collection method: clinical testing. Allele origin: germline.
Comment: This sequence change replaces proline, which is neutral and non-polar, with leucine, which is neutral and non-polar, at codon 56 of the CD320 protein (p.Pro56Leu). This variant is not present in population databases (gnomAD no frequency). This variant has not been reported in the literature in individuals affected with CD320-related conditions. ClinVar contains an entry for this variant (Variation ID: 1383199). An algorithm developed to predict the effect of missense changes on protein structure and function (PolyPhen-2) suggests that this variant is likely to be disruptive. In summary, the available evidence is currently insufficient to determine the role of this variant in disease. Therefore, it has been classified as a Variant of Uncertain Significance.

NM_016579.4(CD320):c.167C>T (p.Pro56Leu)

Gene: CD320 (CD320 molecule; minus strand). Cytogenetic location: 19p13.2.
Variant type: single nucleotide variant.
Coding change: c.167C>T on transcript NM_016579.4 (MANE Select); coding-DNA position 167, C replaced by T.
Protein change: p.Pro56Leu; replaces proline 56 with leucine.
Molecular consequence: missense variant. On other transcripts: intron variant (1).
Genome position (GRCh38, 1-based): chr19:8,305,132, G>A on the plus strand (C>T on the coding strand, the complement: CD320 is on the minus strand). VCF-style: chr19-8305132-G-A. GRCh37 (hg19) VCF-style: chr19-8370016-G-A.
Other names: c.143-1044C>T (NM_001165895.2); short protein forms P56L.
Identifiers: ClinVar variation 1383199 (VCV001383199.6), dbSNP rs1329946054, ClinGen allele CA403715713.